The following is an entry in ClinVar:

ClinVar aggregate classification (germline): Benign (3 of 4 stars; one submission).

Conditions:
Breast-ovarian cancer, familial, susceptibility to, 1 (BROVCA1). Also called: BRCA1 Hereditary Breast and Ovarian Cancer; OVARIAN CANCER, SUSCEPTIBILITY TO. Identifiers: Orphanet 145, MedGen C2676676, MONDO:0011450, OMIM 604370. Disease mechanism: loss of function.

Allele frequency attached by ClinVar (database versions not stated): gnomAD 0.03407 and 0.03655; 1000 Genomes Project 0.03734; TOPMed 0.03840; 1000 Genomes Project 30x 0.03873.
gnomAD v4.1: 5,133 of 152,218 alleles (3.4%); highest among the groups gnomAD compares: African/African-American, 12%; 303 homozygotes.

Submission:

Evidence-based Network for the Interpretation of Germline Mutant Alleles (ENIGMA)
Classification: Benign for Breast-ovarian cancer, familial 1. Last evaluated: 2015-01-12. Review status: reviewed by expert panel. Criteria: ENIGMA BRCA1/2 Classification Criteria (2015). Collection method: curation. Allele origin: germline.
Comment: Class 1 not pathogenic based on frequency >1% in an outbred sampleset. Frequency 0.122 (African), derived from 1000 genomes (2012-04-30).

NM_007294.4(BRCA1):c.135-1231G>A

Gene: BRCA1 (BRCA1 DNA repair associated; minus strand). Cytogenetic location: 17q21.31.
Variant type: single nucleotide variant.
Coding change: c.135-1231G>A on transcript NM_007294.4 (MANE Select); 1231 bases into the intron before coding-DNA position 135, G replaced by A.
Molecular consequence: intron variant.
Genome position (GRCh38, 1-based): chr17:43,107,764, C>T on the plus strand (G>A on the coding strand, the complement: BRCA1 is on the minus strand). VCF-style: chr17-43107764-C-T. GRCh37 (hg19) VCF-style: chr17-41259781-C-T.
Other names: IVS 3-1231G>A; c.135-1231G>A (NM_001407672.1, NM_001408398.1, NM_001407992.1 and 167 more transcripts); c.-54-1231G>A (NM_001407917.1, NM_001407902.1, NM_001407956.1 and 58 more transcripts); c.-7-1231G>A (NM_001408462.1, NM_001407724.1, NM_001407697.1 and 99 more transcripts); c.135-2808G>A (NM_001408414.1, NM_001408411.1, NM_001407655.1 and 21 more transcripts); c.-218-12904G>A (NM_001407967.1, NM_001407966.1); c.-169-2808G>A (NM_001407959.1, NM_001407962.1, NM_001408512.1 and 3 more transcripts); c.81-2808G>A (NM_001408451.1); and 1 more.
Identifiers: ClinVar variation 209498 (VCV000209498.2), dbSNP rs799914, ClinGen allele CA276468.